The following is an entry in ClinVar:

ClinVar aggregate classification (germline): Uncertain significance (1 of 4 stars; one submission).

Allele frequency attached by ClinVar (database versions not stated): gnomAD exomes 0.00001; ExAC 0.00002.

Submission:

Labcorp Genetics (formerly Invitae), Labcorp
Classification: Uncertain significance. Last evaluated: 2024-03-18. Review status: criteria provided, single submitter. Criteria: Invitae Variant Classification Sherloc (09022015). Collection method: clinical testing. Allele origin: germline.
Comment: This sequence change replaces methionine, which is neutral and non-polar, with threonine, which is neutral and polar, at codon 177 of the MERTK protein (p.Met177Thr). This variant is present in population databases (rs765186776, gnomAD 0.006%). This variant has not been reported in the literature in individuals affected with MERTK-related conditions. ClinVar contains an entry for this variant (Variation ID: 1057768). Advanced modeling of protein sequence and biophysical properties (such as structural, functional, and spatial information, amino acid conservation, physicochemical variation, residue mobility, and thermodynamic stability) performed at Invitae indicates that this missense variant is not expected to disrupt MERTK protein function with a negative predictive value of 80%. In summary, the available evidence is currently insufficient to determine the role of this variant in disease. Therefore, it has been classified as a Variant of Uncertain Significance.

NM_006343.3(MERTK):c.530T>C (p.Met177Thr)

Gene: MERTK (MER proto-oncogene, tyrosine kinase; plus strand). Cytogenetic location: 2q13.
Variant type: single nucleotide variant.
Coding change: c.530T>C on transcript NM_006343.3 (MANE Select); coding-DNA position 530, T replaced by C.
Protein change: p.Met177Thr; replaces methionine 177 with threonine.
Molecular consequence: missense variant.
Genome position (GRCh38, 1-based): chr2:111,945,007, T>C. VCF-style: chr2-111945007-T-C. GRCh37 (hg19) VCF-style: chr2-112702584-T-C.
Other names: short protein forms M177T.
Identifiers: ClinVar variation 1057768 (VCV001057768.10), dbSNP rs765186776, ClinGen allele CA1831072.